The following is an entry in ClinVar:

NM_001374259.2(IL12RB2):c.463A>G (p.Thr155Ala)

Gene: IL12RB2 (interleukin 12 receptor subunit beta 2; plus strand). Cytogenetic location: 1p31.3.
Variant type: single nucleotide variant.
Coding change: c.463A>G on transcript NM_001374259.2 (MANE Select); coding-DNA position 463, A replaced by G.
Protein change: p.Thr155Ala; replaces threonine 155 with alanine.
Molecular consequence: missense variant. On other transcripts: non-coding transcript variant (2).
Genome position (GRCh38, 1-based): chr1:67,326,833, A>G. VCF-style: chr1-67326833-A-G. GRCh37 (hg19) VCF-style: chr1-67792516-A-G.
Other names: c.463A>G, p.Thr155Ala (NM_001258214.1, NM_001258215.1, NM_001258216.1 and 2 more transcripts); short protein forms T155A.
Identifiers: ClinVar variation 2695502 (VCV002695502.3), dbSNP rs778269908, ClinGen allele CA340732038.
Genomic context (GRCh38, chr1:67,326,833, plus strand): 5'-AAGGGAGAACAGGGGACTGTGGCCTGCACCTGGGAAAGAGGACGAGACACCCACTTATAC[A>G]CTGAGTATACTCTACAGTGAGTGAGAGGCTGTATTTTTGCAGCTGTTTTGTAGATCTTCT-3'
Protein context (NP_001361188.1, residues 145-165): WERGRDTHLY[Thr155Ala]EYTLQLSGPK

ClinVar aggregate classification (germline): Uncertain significance (1 of 4 stars; one submission).

Submission:

Labcorp Genetics (formerly Invitae), Labcorp
Classification: Uncertain significance. Last evaluated: 2022-11-18. Review status: criteria provided, single submitter. Criteria: Invitae Variant Classification Sherloc (09022015). Collection method: clinical testing. Allele origin: germline.
Comment: Algorithms developed to predict the effect of missense changes on protein structure and function (SIFT, PolyPhen-2, Align-GVGD) all suggest that this variant is likely to be disruptive. This sequence change replaces threonine, which is neutral and polar, with alanine, which is neutral and non-polar, at codon 155 of the IL12RB2 protein (p.Thr155Ala). This variant is not present in population databases (gnomAD no frequency). This variant has not been reported in the literature in individuals affected with IL12RB2-related conditions. In summary, the available evidence is currently insufficient to determine the role of this variant in disease. Therefore, it has been classified as a Variant of Uncertain Significance.